The following is an entry in ClinVar:

NM_001375524.1(TRRAP):c.7807G>A (p.Asp2603Asn)

Gene: TRRAP (transformation/transcription domain associated protein; plus strand). Cytogenetic location: 7q22.1.
Variant type: single nucleotide variant.
Coding change: c.7807G>A on transcript NM_001375524.1 (MANE Select); coding-DNA position 7807, G replaced by A.
Protein change: p.Asp2603Asn; replaces aspartic acid 2603 with asparagine.
Molecular consequence: missense variant.
Genome position (GRCh38, 1-based): chr7:98,971,913, G>A. VCF-style: chr7-98971913-G-A. GRCh37 (hg19) VCF-style: chr7-98569536-G-A.
Other names: c.7786G>A, p.Asp2596Asn (NM_001244580.2); c.7732G>A, p.Asp2578Asn (NM_003496.4); short protein forms D2578N, D2596N, D2603N.
Identifiers: ClinVar variation 2785380 (VCV002785380.3), dbSNP rs999705682, ClinGen allele CA163068760.
Genomic context (GRCh38, chr7:98,971,913, plus strand): 5'-ACCAAAGAACTTTCAGAAAAGGACATTGGAAACCAGCTGCACATGCTAACCAACAGGCAC[G>A]ACAAGTTTCTGGACACTCTCCGAGAGGTGAAGGTCTGTACGCAGCTTGGAAAGGATTCGT-3'
Protein context (NP_001362453.1, residues 2593-2613): NQLHMLTNRH[Asp2603Asn]KFLDTLREVK

ClinVar aggregate classification (germline): Uncertain significance (1 of 4 stars; one submission).

Allele frequency attached by ClinVar (database versions not stated): gnomAD exomes below 0.00001; TOPMed 0.00001.

Submission:

Labcorp Genetics (formerly Invitae), Labcorp
Classification: Uncertain significance. Last evaluated: 2023-04-13. Review status: criteria provided, single submitter. Criteria: Invitae Variant Classification Sherloc (09022015). Collection method: clinical testing. Allele origin: germline.
Comment: In summary, the available evidence is currently insufficient to determine the role of this variant in disease. Therefore, it has been classified as a Variant of Uncertain Significance. Advanced modeling of protein sequence and biophysical properties (such as structural, functional, and spatial information, amino acid conservation, physicochemical variation, residue mobility, and thermodynamic stability) performed at Invitae indicates that this missense variant is not expected to disrupt TRRAP protein function. This variant has not been reported in the literature in individuals affected with TRRAP-related conditions. This variant is present in population databases (no rsID available, gnomAD 0.0009%). This sequence change replaces aspartic acid, which is acidic and polar, with asparagine, which is neutral and polar, at codon 2578 of the TRRAP protein (p.Asp2578Asn).